The following is an entry in ClinVar:

NM_024854.5(PYROXD1):c.1355A>G (p.Gln452Arg)

Gene: PYROXD1 (pyridine nucleotide-disulphide oxidoreductase domain 1; plus strand). Cytogenetic location: 12p12.1.
Variant type: single nucleotide variant.
Coding change: c.1355A>G on transcript NM_024854.5 (MANE Select); coding-DNA position 1355, A replaced by G.
Protein change: p.Gln452Arg; replaces glutamine 452 with arginine.
Molecular consequence: missense variant.
Genome position (GRCh38, 1-based): chr12:21,468,606, A>G. VCF-style: chr12-21468606-A-G. GRCh37 (hg19) VCF-style: chr12-21621540-A-G.
Other names: c.1142A>G, p.Gln381Arg (NM_001350912.2); c.578A>G, p.Gln193Arg (NM_001350913.2); short protein forms Q381R, Q452R, Q193R.
Identifiers: ClinVar variation 1349045 (VCV001349045.5), dbSNP rs778783026, ClinGen allele CA6478542.

ClinVar aggregate classification (germline): Uncertain significance (1 of 4 stars; one submission).

Allele frequency attached by ClinVar (database versions not stated): gnomAD exomes 0.00001; ExAC 0.00002; gnomAD 0.00003; TOPMed 0.00003.

Submission:

Labcorp Genetics (formerly Invitae), Labcorp
Classification: Uncertain significance. Last evaluated: 2021-08-31. Review status: criteria provided, single submitter. Criteria: Invitae Variant Classification Sherloc (09022015). Collection method: clinical testing. Allele origin: germline.
Comment: This sequence change replaces glutamine with arginine at codon 452 of the PYROXD1 protein (p.Gln452Arg). The glutamine residue is moderately conserved and there is a small physicochemical difference between glutamine and arginine. This variant is present in population databases (rs778783026, ExAC 0.02%). This variant has not been reported in the literature in individuals affected with PYROXD1-related conditions. Algorithms developed to predict the effect of missense changes on protein structure and function (SIFT, PolyPhen-2, Align-GVGD) all suggest that this variant is likely to be tolerated. In summary, the available evidence is currently insufficient to determine the role of this variant in disease. Therefore, it has been classified as a Variant of Uncertain Significance.